The following is an entry in ClinVar:

ClinVar aggregate classification (germline): Uncertain significance (1 of 4 stars; one submission).

Conditions:
Retinitis pigmentosa (RP). Identifiers: Orphanet 791, MedGen C0035334, MeSH D012174, MONDO:0019200, OMIM 268000. Inheritance: Autosomal dominant, autosomal recessive and X linked inheritance.

Submission:

Lab De Baere, Eye and Developmental Genetics Lab, Ghent University
Classification: Uncertain significance for Retinitis pigmentosa. Last evaluated: 2024-10-01. Review status: criteria provided, single submitter. Criteria: ACMG Guidelines, 2015. Collection method: research. Allele origin: inherited. Affected: yes. Observed: 1 variant allele.
Comment: ACMG/AMP guidelines: PM2, PP1, PM3_PP

NM_001330691.3(CEP78):c.356C>T (p.Ser119Leu)

Gene: CEP78 (centrosomal protein 78; plus strand). Cytogenetic location: 9q21.2.
Variant type: single nucleotide variant.
Coding change: c.356C>T on transcript NM_001330691.3 (MANE Select); coding-DNA position 356, C replaced by T.
Protein change: p.Ser119Leu; replaces serine 119 with leucine.
Molecular consequence: missense variant.
Genome position (GRCh38, 1-based): chr9:78,240,125, C>T. VCF-style: chr9-78240125-C-T. GRCh37 (hg19) VCF-style: chr9-80855041-C-T.
Other names: c.356C>T, p.Ser119Leu (NM_001098802.3, NM_001330693.3, NM_001330694.2 and 4 more transcripts); short protein forms S119L.
Identifiers: ClinVar variation 3544482 (VCV003544482.1).
Genomic context (GRCh38, chr9:78,240,125, plus strand): 5'-TAAGATACAAAGATGTGACCTTCCAGTTGTGTAAAGCTCTTAAAGGCTGTTTAAGTATAT[C>T]AAGTGTGCTAAAGAACCTGGAGCTAAATGGACTAATTCTGAGAGAGAGGGATTTAACTAT-3'
Protein context (NP_001317620.1, residues 109-129): CKALKGCLSI[Ser119Leu]SVLKNLELNG